The following is an entry in ClinVar:

NM_024420.3(PLA2G4A):c.1758G>A (p.Pro586=)

Gene: PLA2G4A (phospholipase A2 group IVA; plus strand). Cytogenetic location: 1q31.1.
Variant type: single nucleotide variant.
Coding change: c.1758G>A on transcript NM_024420.3 (MANE Select); coding-DNA position 1758, G replaced by A.
Protein change: p.Pro586=; no amino-acid change (proline 586 retained).
Molecular consequence: synonymous variant.
Genome position (GRCh38, 1-based): chr1:186,965,587, G>A. VCF-style: chr1-186965587-G-A. GRCh37 (hg19) VCF-style: chr1-186934719-G-A.
Other names: c.1578G>A, p.Pro526= (NM_001311193.2).
Identifiers: ClinVar variation 721606 (VCV000721606.13), dbSNP rs34758865, ClinGen allele CA1300292.

ClinVar aggregate classification (germline): Benign/Likely benign. Review status: criteria provided, multiple submitters, no conflicts (2 of 4 stars). 4 submissions from 4 submitters: Benign (2); Likely benign (1). 1 of the submissions does not count toward it. Last evaluated 2026-01-22.

Conditions:
PLA2G4A-related disorder. Also called: PLA2G4A-related condition.

Allele frequency attached by ClinVar (database versions not stated): gnomAD exomes 0.00022 and 0.00059; ExAC 0.00078; 1000 Genomes Project 0.00220; gnomAD 0.00236 and 0.00258; 1000 Genomes Project 30x 0.00250; TOPMed 0.00292; ESP Exome Variant Server 0.00331.
gnomAD v4.1: 698 of 1,607,886 alleles (0.043%); highest among the groups gnomAD compares: African/African-American, 0.78%; 2 homozygotes.

Submissions (4):

Labcorp Genetics (formerly Invitae), Labcorp
Classification: Benign. Last evaluated: 2026-01-22. Review status: criteria provided, single submitter. Criteria: Invitae Variant Classification Sherloc (09022015). Collection method: clinical testing. Allele origin: germline.

Blueprint Genetics
Classification: Likely benign. Last evaluated: 2023-12-05. Review status: criteria provided, single submitter. Criteria: ACMG Guidelines, 2015. Collection method: clinical testing. Allele origin: germline.

Breakthrough Genomics
Classification: Benign. Review status: criteria provided, single submitter. Criteria: ACMG Guidelines, 2015. Collection method: not provided. Allele origin: germline. Inheritance: Autosomal recessive inheritance. Affected: yes.

PreventionGenetics, part of Exact Sciences
Classification: Benign for PLA2G4A-related condition. Last evaluated: 2019-11-07. Review status: no assertion criteria provided. Collection method: clinical testing. Allele origin: germline. Not counted in ClinVar's aggregate classification.
Comment: This variant is classified as benign based on ACMG/AMP sequence variant interpretation guidelines (Richards et al. 2015 PMID: 25741868, with internal and published modifications).